The following is an entry in ClinVar:

NM_173619.4(CLEC18C):c.170G>A (p.Arg57His)

Gene: CLEC18C (C-type lectin domain family 18 member C; plus strand). Cytogenetic location: 16q22.1.
Variant type: single nucleotide variant.
Coding change: c.170G>A on transcript NM_173619.4 (MANE Select); coding-DNA position 170, G replaced by A.
Protein change: p.Arg57His; replaces arginine 57 with histidine.
Molecular consequence: missense variant.
Genome position (GRCh38, 1-based): chr16:70,174,992, G>A. VCF-style: chr16-70174992-G-A. GRCh37 (hg19) VCF-style: chr16-70208895-G-A.
Other names: short protein forms R57H.
Identifiers: ClinVar variation 5034633 (VCV005034633.1).
Genomic context (GRCh38, chr16:70,174,992, plus strand): 5'-CTCTCTCCACCCCAGCCCTGAACAGGAAGGAGAGTTTCTTGCTCCTCTCCCTGCACAACC[G>A]CCTGCGCAGCTGGGTCCAGCCCCCTGCGGCTGACATGCGGAGGCTGGTGAGTACCCGACC-3'
Protein context (NP_775890.2, residues 47-67): ESFLLLSLHN[Arg57His]LRSWVQPPAA

ClinVar aggregate classification (germline): Uncertain significance (1 of 4 stars; one submission).

Submission:

Ambry Genetics
Classification: Uncertain significance. Last evaluated: 2026-06-17. Review status: criteria provided, single submitter. Criteria: Ambry Variant Classification Scheme 2023. Collection method: clinical testing. Allele origin: germline.
Comment: The c.170G>A (p.R57H) alteration is located in exon 2 (coding exon 2) of the CLEC18C gene. This alteration results from a G to A substitution at nucleotide position 170, causing the arginine (R) at amino acid position 57 to be replaced by a histidine (H). Based on data from gnomAD, the A allele has an overall frequency of 0.011% (20/178664) total alleles studied. The highest observed frequency was 0.057% (13/22808) of South Asian alleles. Based on insufficient or conflicting evidence, the clinical significance of this alteration remains unclear.